The following is an entry in ClinVar:

NM_001437.3(ESR2):c.1297G>A (p.Val433Met)

Gene: ESR2 (estrogen receptor 2; minus strand). Cytogenetic location: 14q23.2.
Variant type: single nucleotide variant.
Coding change: c.1297G>A on transcript NM_001437.3 (MANE Select); coding-DNA position 1297, G replaced by A.
Protein change: p.Val433Met; replaces valine 433 with methionine.
Molecular consequence: missense variant. On other transcripts: non-coding transcript variant (2).
Genome position (GRCh38, 1-based): chr14:64,235,079, C>T on the plus strand (G>A on the coding strand, the complement: ESR2 is on the minus strand). VCF-style: chr14-64235079-C-T. GRCh37 (hg19) VCF-style: chr14-64701797-C-T.
Other names: c.1297G>A, p.Val433Met (NM_001291723.1, NM_001040275.1, NM_001214902.1 and 2 more transcripts); c.1024G>A, p.Val342Met (NM_001271877.1); short protein forms V433M, V342M.
Identifiers: ClinVar variation 3090536 (VCV003090536.3), dbSNP rs200615874, ClinGen allele CA7225239.

ClinVar aggregate classification (germline): Uncertain significance. Review status: criteria provided, multiple submitters, no conflicts (2 of 4 stars). 2 submissions from 2 submitters: Uncertain significance (2). Last evaluated 2024-02-24.

Allele frequency attached by ClinVar (database versions not stated): gnomAD exomes 0.00004; ExAC 0.00010; gnomAD 0.00023; TOPMed 0.00025; ESP Exome Variant Server 0.00038.
gnomAD v4.1: 95 of 1,614,066 alleles (0.0059%); highest among the groups gnomAD compares: Middle Eastern, 0.082%; 1 homozygote.

Submissions (2):

Labcorp Genetics (formerly Invitae), Labcorp
Classification: Uncertain significance. Last evaluated: 2024-02-24. Review status: criteria provided, single submitter. Criteria: Invitae Variant Classification Sherloc (09022015). Collection method: clinical testing. Allele origin: germline.
Comment: This sequence change replaces valine, which is neutral and non-polar, with methionine, which is neutral and non-polar, at codon 433 of the ESR2 protein (p.Val433Met). This variant is present in population databases (rs200615874, gnomAD 0.05%). This variant has not been reported in the literature in individuals affected with ESR2-related conditions. Advanced modeling of protein sequence and biophysical properties (such as structural, functional, and spatial information, amino acid conservation, physicochemical variation, residue mobility, and thermodynamic stability) performed at Invitae indicates that this missense variant is not expected to disrupt ESR2 protein function with a negative predictive value of 80%. In summary, the available evidence is currently insufficient to determine the role of this variant in disease. Therefore, it has been classified as a Variant of Uncertain Significance.

Ambry Genetics
Classification: Uncertain significance. Last evaluated: 2021-09-27. Review status: criteria provided, single submitter. Criteria: Ambry Variant Classification Scheme 2023. Collection method: clinical testing. Allele origin: germline.